The following is an entry in ClinVar:

ClinVar aggregate classification (germline): Benign/Likely benign. Review status: criteria provided, multiple submitters, no conflicts (2 of 4 stars). 2 submissions from 2 submitters: Benign (1); Likely benign (1). Last evaluated 2026-02-03.

Conditions:
Carney complex, type 1 (CNC1). Also called: CARNEY COMPLEX, TYPE I; CARNEY MYXOMA-ENDOCRINE COMPLEX. Identifiers: Orphanet 1359, MedGen C2607929, MONDO:0008057, OMIM 160980.

Allele frequency attached by ClinVar (database versions not stated): 1000 Genomes Project 0.00020; TOPMed 0.00028; 1000 Genomes Project 30x 0.00031; ESP Exome Variant Server 0.00031.
gnomAD v4.1: 87 of 1,612,598 alleles (0.0054%); highest among the groups gnomAD compares: African/African-American, 0.084%; no homozygotes.

Submissions (2):

Labcorp Genetics (formerly Invitae), Labcorp
Classification: Likely benign for Carney complex, type 1. Last evaluated: 2026-02-03. Review status: criteria provided, single submitter. Criteria: Invitae Variant Classification Sherloc (09022015). Collection method: clinical testing. Allele origin: germline.

Women's Health and Genetics/Laboratory Corporation of America, LabCorp
Classification: Benign. Last evaluated: 2016-10-21. Review status: criteria provided, single submitter. Criteria: LabCorp Variant Classification Summary - May 2015. Collection method: clinical testing. Allele origin: germline.
Comment: Variant summary: The PRKAR1A c.-6-4G>A variant involves the alteration of a non-conserved nucleotide in the 5' UTR. One in silico tool predicts a benign outcome for this variant. 5/5 splice prediction tools predict no significant impact on normal splicing. The variant of interest was observed in the large, broad control population, ExAC, with an allele frequency of 14/120446 (1/8605), predominantly in the African cohort, 12/10290 (1/857), which significantly exceeds the estimated maximal expected allele frequency for a pathogenic PRKAR1A variant of 1/526315. Therefore, suggesting that the variant is likely a common benign polymorphism found in population(s) of African origin. The variant of interest has not, to our knowledge, been reported in affected individuals via publications and/or reputable databases/clinical diagnostic laboratories; nor evaluated for functional impact by in vivo/vitro studies. Taken together, this variant is classified as benign.

NM_002734.5(PRKAR1A):c.-6-4G>A

Gene: PRKAR1A (protein kinase cAMP-dependent type I regulatory subunit alpha; plus strand). Cytogenetic location: 17q24.2.
Variant type: single nucleotide variant.
Coding change: c.-6-4G>A on transcript NM_002734.5 (MANE Select); 4 bases into the intron before 6 bases upstream of the start codon, G replaced by A.
Molecular consequence: intron variant.
Genome position (GRCh38, 1-based): chr17:68,515,390, G>A. VCF-style: chr17-68515390-G-A. GRCh37 (hg19) VCF-style: chr17-66511531-G-A.
Other names: c.-6-4G>A (NM_001278433.2, NM_001369389.1, NM_212471.3 and 3 more transcripts).
Identifiers: ClinVar variation 496173 (VCV000496173.12), dbSNP rs190803359, ClinGen allele CA8729134.
Genomic context (GRCh38, chr17:68,515,390, plus strand): 5'-TAAATGCCAGATTGACATTTTGCTTTATAGTTTATACAAGCATGTGTGTGTTTTTTTCTC[G>A]CAGAGAACCATGGAGTCTGGCAGTACCGCCGCCAGTGAGGAGGCACGCAGCCTTCGAGAA-3'